The following is an entry in ClinVar:

NM_001876.4(CPT1A):c.1741-1G>A

Gene: CPT1A (carnitine palmitoyltransferase 1A; minus strand). Cytogenetic location: 11q13.3.
Variant type: single nucleotide variant.
Coding change: c.1741-1G>A on transcript NM_001876.4 (MANE Select); the canonical splice acceptor site of the intron before coding-DNA position 1741, G replaced by A.
Molecular consequence: splice acceptor variant.
Genome position (GRCh38, 1-based): chr11:68,762,762, C>T on the plus strand (G>A on the coding strand, the complement: CPT1A is on the minus strand). VCF-style: chr11-68762762-C-T. GRCh37 (hg19) VCF-style: chr11-68530230-C-T.
Other names: c.1741-1G>A (NM_001031847.3).
Identifiers: ClinVar variation 2501129 (VCV002501129.1), dbSNP rs2495518514, ClinGen allele CA381627804.
Genomic context (GRCh38, chr11:68,762,762, plus strand): 5'-CCCCTCTCGGAAGAGCCGGGTCATGGAGGCCTCGTATGTGAGGCAAAACTTGCCCATGTC[C>T]TGGGGAAAGAGAAGTACTTCAGTGCACGGCAGGGCATGCTGATATGTCTAAAACGTAAGG-3'

ClinVar aggregate classification (germline): Likely pathogenic (1 of 4 stars; one submission).

Conditions:
Carnitine palmitoyl transferase 1A deficiency. Also called: Carnitine palmitoyltransferase 1A deficiency; CPT deficiency, hepatic, type IA; Carnitine palmitoyltransferase type I deficiency; CPT I DEFICIENCY; CPT DEFICIENCY, HEPATIC, TYPE I. Identifiers: Orphanet 156, MedGen C1829703, MONDO:0009705, OMIM 255120.

Allele frequency attached by ClinVar (database versions not stated): gnomAD exomes below 0.00001.
gnomAD v4.1: 1 of 1,614,096 alleles (0.000062%); highest among the groups gnomAD compares: Non-Finnish European, 0.000085%; no homozygotes.

Submission:

Women's Health and Genetics/Laboratory Corporation of America, LabCorp
Classification: Likely pathogenic for Carnitine palmitoyl transferase 1A deficiency. Last evaluated: 2023-03-15. Review status: criteria provided, single submitter. Criteria: LabCorp Variant Classification Summary - May 2015. Collection method: clinical testing. Allele origin: germline.
Comment: Variant summary: CPT1A c.1741-1G>A is located in a canonical splice-site and is predicted to affect mRNA splicing resulting in a significantly altered protein due to either exon skipping, shortening, or inclusion of intronic material. Several computational tools predict a significant impact on normal splicing: Four predict the variant abolishes a 3' acceptor site. Four predict the variant creates a cryptic 3' acceptor site. However, these predictions have yet to be confirmed by functional studies. The variant was absent in 251208 control chromosomes. To our knowledge, no occurrence of c.1741-1G>A in individuals affected with Carnitine Palmitoyltransferase I Deficiency and no experimental evidence demonstrating its impact on protein function have been reported. No clinical diagnostic laboratories have submitted clinical-significance assessments for this variant to ClinVar after 2014. Based on the evidence outlined above, the variant was classified as likely pathogenic.